The following is an entry in ClinVar:

NM_014874.4(MFN2):c.2060A>G (p.Gln687Arg)

Gene: MFN2 (mitofusin 2; plus strand). Cytogenetic location: 1p36.22.
Variant type: single nucleotide variant.
Coding change: c.2060A>G on transcript NM_014874.4 (MANE Select); coding-DNA position 2060, A replaced by G.
Protein change: p.Gln687Arg; replaces glutamine 687 with arginine.
Molecular consequence: missense variant.
Genome position (GRCh38, 1-based): chr1:12,007,240, A>G. VCF-style: chr1-12007240-A-G. GRCh37 (hg19) VCF-style: chr1-12067297-A-G.
Other names: c.2060A>G, p.Gln687Arg (NM_001127660.2); short protein forms Q687R.
Identifiers: ClinVar variation 245710 (VCV000245710.55), dbSNP rs879253910, ClinGen allele CA10584106.

ClinVar aggregate classification (germline): Uncertain significance. Review status: criteria provided, multiple submitters, no conflicts (2 of 4 stars). 6 submissions from 6 submitters: Uncertain significance (6). Last evaluated 2026-06-22.

Conditions:
MFN2-related disorder. Also called: MFN2-related condition; MFN2-related disorders.
Charcot-Marie-Tooth disease, axonal, autosomal recessive, type 2a2b;. Also called: Charcot-Marie-Tooth disease, axonal, autosomal recessive, type 2A2B; Charcot-Marie-Tooth disease, axonal, type 2A2B. Identifiers: MedGen C4310725, MONDO:0014906, OMIM 617087.
Charcot-Marie-Tooth disease type 2. Also called: Charcot-Marie-Tooth type 2. Identifiers: Orphanet 64746, MedGen C0270914, MONDO:0018993.

Allele frequency attached by ClinVar (database versions not stated): gnomAD 0.00001; gnomAD exomes 0.00001; TOPMed 0.00002.
gnomAD v4.1: 21 of 1,613,858 alleles (0.0013%); highest among the groups gnomAD compares: Non-Finnish European, 0.0017%; no homozygotes.

Submissions (6):

Institute of Human Genetics, University of Leipzig Medical Center
Classification: Uncertain significance for Charcot-Marie-Tooth disease, axonal, autosomal recessive, type 2a2b;. Last evaluated: 2026-06-22. Review status: criteria provided, single submitter. Criteria: ACMG Guidelines, 2015. Collection method: clinical testing. Allele origin: unknown. Inheritance: Autosomal recessive inheritance. Affected: yes.
Comment: Criteria applied: PM2,PP2,PP3

PreventionGenetics, part of Exact Sciences
Classification: Uncertain significance for MFN2-related condition. Last evaluated: 2026-04-20. Review status: criteria provided, single submitter. Criteria: ACMG Guidelines, 2015. Collection method: clinical testing. Allele origin: germline.
Comment: The MFN2 c.2060A>G variant is predicted to result in the amino acid substitution p.Gln687Arg. This variant has been documented in one individual from an ALS cohort; however, this data is documented in non-peer reviewed work (Russell et al. 2021. doi: DOI 10.1101/2021.10.30.466517). This variant is reported in 0.0040% of alleles in individuals of European (Finnish) descent in gnomAD. At this time, the clinical significance of this variant is uncertain due to the absence of conclusive functional and genetic evidence.

Women's Health and Genetics/Laboratory Corporation of America, LabCorp
Classification: Uncertain significance. Last evaluated: 2025-07-07. Review status: criteria provided, single submitter. Criteria: LabCorp Variant Classification Summary - May 2015. Collection method: clinical testing. Allele origin: germline.
Comment: Variant summary: MFN2 c.2060A>G (p.Gln687Arg) results in a conservative amino acid change in the encoded protein sequence. Algorithms developed to predict the effect of missense changes on protein structure and function are either unavailable or do not agree on the potential impact of this missense change. The variant allele was found at a frequency of 1.2e-05 in 250482 control chromosomes. The available data on variant occurrences in the general population are insufficient to allow any conclusion about variant significance. To our knowledge, no occurrence of c.2060A>G in individuals affected with Charcot-Marie Disease, Axonal, Autosomal Recessive, Type 2a2b and no experimental evidence demonstrating its impact on protein function have been reported. ClinVar contains an entry for this variant (Variation ID: 245710). Based on the evidence outlined above, the variant was classified as uncertain significance.

Labcorp Genetics (formerly Invitae), Labcorp
Classification: Uncertain significance for Charcot-Marie-Tooth disease type 2. Last evaluated: 2024-07-30. Review status: criteria provided, single submitter. Criteria: Invitae Variant Classification Sherloc (09022015). Collection method: clinical testing. Allele origin: germline.
Comment: This sequence change replaces glutamine, which is neutral and polar, with arginine, which is basic and polar, at codon 687 of the MFN2 protein (p.Gln687Arg). This variant is present in population databases (no rsID available, gnomAD 0.004%). This variant has not been reported in the literature in individuals affected with MFN2-related conditions. ClinVar contains an entry for this variant (Variation ID: 245710). Advanced modeling of protein sequence and biophysical properties (such as structural, functional, and spatial information, amino acid conservation, physicochemical variation, residue mobility, and thermodynamic stability) performed at Invitae indicates that this missense variant is expected to disrupt MFN2 protein function with a positive predictive value of 95%. In summary, the available evidence is currently insufficient to determine the role of this variant in disease. Therefore, it has been classified as a Variant of Uncertain Significance.

CeGaT Center for Human Genetics Tuebingen
Classification: Uncertain significance. Last evaluated: 2024-04-01. Review status: criteria provided, single submitter. Criteria: CeGaT Center For Human Genetics Tuebingen Variant Classification Criteria Version 2. Collection method: clinical testing. Allele origin: germline. Affected: yes. Observed: 2 variant alleles.
Comment: MFN2: PM2

GeneDx
Classification: Uncertain significance. Last evaluated: 2023-01-17. Review status: criteria provided, single submitter. Criteria: GeneDx Variant Classification Process June 2021. Collection method: clinical testing. Allele origin: germline. Affected: yes.
Comment: In silico analysis supports that this missense variant has a deleterious effect on protein structure/function; Has not been previously published as pathogenic or benign in association with an MFN2-related disorder to our knowledge; This variant is associated with the following publications: (PMID: Russell2021[FunctionalReport])